The following is an entry in ClinVar:

NM_006379.5(SEMA3C):c.772A>T (p.Ile258Phe)

Gene: SEMA3C (semaphorin 3C; minus strand). Cytogenetic location: 7q21.11.
Variant type: single nucleotide variant.
Coding change: c.772A>T on transcript NM_006379.5 (MANE Select); coding-DNA position 772, A replaced by T.
Protein change: p.Ile258Phe; replaces isoleucine 258 with phenylalanine.
Molecular consequence: missense variant.
Genome position (GRCh38, 1-based): chr7:80,804,135, T>A on the plus strand (A>T on the coding strand, the complement: SEMA3C is on the minus strand). VCF-style: chr7-80804135-T-A. GRCh37 (hg19) VCF-style: chr7-80433451-T-A.
Other names: c.826A>T, p.Ile276Phe (NM_001350120.2); c.598A>T, p.Ile200Phe (NM_001350121.2); short protein forms I200F, I258F, I276F.
Identifiers: ClinVar variation 4979107 (VCV004979107.1).

ClinVar aggregate classification (germline): Uncertain significance (1 of 4 stars; one submission).

Conditions:
SEMA3C-related disorder. Also called: SEMA3C-related condition.

gnomAD v4.1: 2 of 1,612,552 alleles (0.00012%); highest among the groups gnomAD compares: African/African-American, 0.0027%; no homozygotes.

Submission:

PreventionGenetics, part of Exact Sciences
Classification: Uncertain significance for SEMA3C-related condition. Last evaluated: 2026-07-15. Review status: criteria provided, single submitter. Criteria: ACMG Guidelines, 2015. Collection method: clinical testing. Allele origin: germline.
Comment: The SEMA3C c.826A>T variant is predicted to result in the amino acid substitution p.Ile276Phe. To our knowledge, this variant has not been reported in the literature. This variant is reported in 0.0062% of alleles in individuals of African descent in gnomAD. At this time, the clinical significance of this variant is uncertain due to the absence of conclusive functional and genetic evidence.